The following is an entry in ClinVar:

NM_015662.3(IFT172):c.2523G>A (p.Ala841=)

Genes: IFT172 (intraflagellar transport 172; minus strand), LOC126806174 (CDK7 strongly-dependent group 2 enhancer GRCh37_chr2:27681686-27682885; plus strand). Cytogenetic location: 2p23.3.
Variant type: single nucleotide variant.
Coding change: c.2523G>A on transcript NM_015662.3 (MANE Select); coding-DNA position 2523, G replaced by A.
Protein change: p.Ala841=; no amino-acid change (alanine 841 retained).
Molecular consequence: synonymous variant.
Genome position (GRCh38, 1-based): chr2:27,459,828, C>T on the plus strand (G>A on the coding strand, the complement: IFT172 is on the minus strand). VCF-style: chr2-27459828-C-T. GRCh37 (hg19) VCF-style: chr2-27682695-C-T.
Other names: c.2457G>A, p.Ala819= (NM_001410739.1).
Identifiers: ClinVar variation 2140694 (VCV002140694.2), dbSNP rs201637357, ClinGen allele CA1580256.

ClinVar aggregate classification (germline): Uncertain significance (1 of 4 stars; one submission).

Conditions:
Short-rib thoracic dysplasia 10 with or without polydactyly (SRTD10). Identifiers: Orphanet 474, MedGen C3810175, MONDO:0014284, OMIM 615630.
Retinitis pigmentosa 71 (RP71). Identifiers: Orphanet 791, MedGen C4225342, MONDO:0014618, OMIM 616394.

Allele frequency attached by ClinVar (database versions not stated): gnomAD exomes 0.00002; ExAC 0.00003; TOPMed 0.00003; gnomAD 0.00007; 1000 Genomes Project 0.00040; 1000 Genomes Project 30x 0.00047.
gnomAD v4.1: 44 of 1,610,854 alleles (0.0027%); highest among the groups gnomAD compares: Middle Eastern, 0.033%; no homozygotes.

Submissions (2):

Labcorp Genetics (formerly Invitae), Labcorp
Classification: Uncertain significance for Retinitis pigmentosa 71; Short-rib thoracic dysplasia 10 with or without polydactyly. Last evaluated: 2022-03-08. Review status: criteria provided, single submitter. Criteria: Invitae Variant Classification Sherloc (09022015). Collection method: clinical testing. Allele origin: germline.
Comment: This sequence change affects codon 841 of the IFT172 mRNA. It is a 'silent' change, meaning that it does not change the encoded amino acid sequence of the IFT172 protein. This variant is present in population databases (rs201637357, gnomAD 0.02%). This variant has not been reported in the literature in individuals affected with IFT172-related conditions. Algorithms developed to predict the effect of sequence changes on RNA splicing suggest that this variant may create or strengthen a splice site. In summary, the available evidence is currently insufficient to determine the role of this variant in disease. Therefore, it has been classified as a Variant of Uncertain Significance.

Dr. Peter K. Rogan Lab, Western University
No classification provided (evidence only). Condition: Familial cancer of breast. Review status: no classification provided. Collection method: in vitro. Allele origin: not applicable. Functional consequence: retained intron. Not counted in ClinVar's aggregate classification.